The following is an entry in ClinVar:

ClinVar aggregate classification (germline): Uncertain significance. Review status: reviewed by expert panel (3 of 4 stars). 2 submissions from 2 submitters: Uncertain significance (1). 1 of the submissions does not count toward it. Last evaluated 2025-10-17.

Conditions:
Hereditary antithrombin deficiency (AT3D). Also called: Antithrombin III deficiency; Thrombophilia due to antithrombin III deficiency; Reduced antithrombin III activity; Antithrombin deficiency. Identifiers: Orphanet 82, MedGen C0272375, MONDO:0013144, OMIM 613118, HP:0001976.

Allele frequency attached by ClinVar (database versions not stated): gnomAD exomes below 0.00001.
gnomAD v4.1: 1 of 1,613,802 alleles (0.000062%); highest among the groups gnomAD compares: Non-Finnish European, 0.000085%; no homozygotes.

Submissions (2):

Clingen Thrombosis Variant Curation Expert Panel, ClinGen
Classification: Uncertain significance for Hereditary antithrombin deficiency. Last evaluated: 2025-10-17. Review status: reviewed by expert panel. Criteria: ClinGen ACMG Specifications SERPINC1 V1.0.0. Collection method: curation. Allele origin: germline. Inheritance: Autosomal dominant inheritance.
Comment: The c.1057C>T variant in SERPINC1 is a missense variant predicted to cause substitution of proline by serine at amino acid 353 (p.Pro353Ser). This variant has been reported in at least two probands meeting an antithrombin activity level of < 0.8 IU/mL without a family history with reported AT activity levels or repeat testing (1 point; PS4_Supporting; PMIDs:29153735, 14754620). The total minor allele frequency in gnomAD v4.1.0 is 6.1976e-7, which is lower than the ClinGen Thrombosis VCEP threshold <0.00002 meeting PM2_Supporting. The computational predictor REVEL gives a score of 0.983, which is above the threshold of 0.6, evidence that correlates with impact to SERPINC1 function (PP3). Another missense variant c.1058C>T (p.Pro353Leu) in the same codon has been classified as likely pathogenic for autosomal dominant hereditary antithrombin deficiency by the ClinGen Thrombosis VCEP (PM5_Supporting). In summary, this variant meets the criteria to be classified as uncertain significance due to insufficient evidence for autosomal dominant hereditary antithrombin deficiency based on the ACMG/AMP criteria applied, as specified by the ClinGen Thrombosis VCEP: PS4_Supporting, PP3. PM2_Supporting, PM5_Supporting

Labcorp Genetics (formerly Invitae), Labcorp
Classification: Likely pathogenic for Hereditary antithrombin deficiency. Last evaluated: 2020-06-29. Review status: criteria provided, single submitter. Criteria: Invitae Variant Classification Sherloc (09022015). Collection method: clinical testing. Allele origin: germline. Not counted in ClinVar's aggregate classification.
Comment: In summary, the currently available evidence indicates that the variant is pathogenic, but additional data are needed to prove that conclusively. Therefore, this variant has been classified as Likely Pathogenic. This variant disrupts the p.Pro353 amino acid residue in SERPINC1. Other variant(s) that disrupt this residue have been determined to be pathogenic (PMID: 25522812, 21264449, 24162787 25522812). This suggests that this residue is clinically significant, and that variants that disrupt this residue are likely to be disease-causing. Algorithms developed to predict the effect of missense changes on protein structure and function (SIFT, PolyPhen-2, Align-GVGD) all suggest that this variant is likely to be disruptive, but these predictions have not been confirmed by published functional studies and their clinical significance is uncertain. This variant has been observed in individual(s) with antithrombin deficiency (PMID: 14754620, 29153735). This variant is also known as Pro321Ser in the literature. This variant is not present in population databases (ExAC no frequency). This sequence change replaces proline with serine at codon 353 of the SERPINC1 protein (p.Pro353Ser). The proline residue is highly conserved and there is a moderate physicochemical difference between proline and serine.

Literature cited by the submitters: PubMed 25522812 (cited by Labcorp Genetics (formerly Invitae), Labcorp); PubMed 21264449 (cited by Labcorp Genetics (formerly Invitae), Labcorp); PubMed 24162787 (cited by Labcorp Genetics (formerly Invitae), Labcorp); PubMed 14754620 (cited by Labcorp Genetics (formerly Invitae), Labcorp); PubMed 29153735 (cited by Labcorp Genetics (formerly Invitae), Labcorp).

NM_000488.4(SERPINC1):c.1057C>T (p.Pro353Ser)

Gene: SERPINC1 (serpin family C member 1; minus strand). Cytogenetic location: 1q25.1.
Variant type: single nucleotide variant.
Coding change: c.1057C>T on transcript NM_000488.4 (MANE Select); coding-DNA position 1057, C replaced by T.
Protein change: p.Pro353Ser; replaces proline 353 with serine.
Molecular consequence: missense variant.
Genome position (GRCh38, 1-based): chr1:173,909,648, G>A on the plus strand (C>T on the coding strand, the complement: SERPINC1 is on the minus strand). VCF-style: chr1-173909648-G-A. GRCh37 (hg19) VCF-style: chr1-173878786-G-A.
Other names: NM_000488.4(SERPINC1):c.1057C>T; p.Pro353Ser; c.913C>T, p.Pro305Ser (NM_001365052.2); c.1180C>T, p.Pro394Ser (NM_001386302.1); c.1138C>T, p.Pro380Ser (NM_001386303.1); c.1036C>T, p.Pro346Ser (NM_001386304.1); c.1000C>T, p.Pro334Ser (NM_001386305.1); c.841C>T, p.Pro281Ser (NM_001386306.1); short protein forms P281S, P305S, P334S, P346S, P353S, P380S, P394S.
Identifiers: ClinVar variation 1066706 (VCV001066706.6), dbSNP rs2102782517, ClinGen allele CA343773667.